The following is an entry in ClinVar:

ClinVar aggregate classification (germline): Benign. Review status: criteria provided, multiple submitters, no conflicts (2 of 4 stars). 2 submissions from 2 submitters: Benign (2). Last evaluated 2019-08-23.

Allele frequency attached by ClinVar (database versions not stated): ESP Exome Variant Server 0.04312; gnomAD 0.05231 and 0.05964; TOPMed 0.05969; ExAC 0.07918; 1000 Genomes Project 30x 0.11259; 1000 Genomes Project 0.11641.

Submissions (2):

GeneDx
Classification: Benign. Last evaluated: 2019-08-23. Review status: criteria provided, single submitter. Criteria: GeneDx Variant Classification Process June 2021. Collection method: clinical testing. Allele origin: germline. Affected: yes.
Comment: This variant is associated with the following publications: (PMID: 30012220)

Breakthrough Genomics
Classification: Benign. Review status: criteria provided, single submitter. Criteria: ACMG Guidelines, 2015. Collection method: not provided. Allele origin: germline. Inheritance: Unknown mechanism. Affected: yes.

NM_001081675.3(KLHL38):c.1180G>C (p.Gly394Arg)

Gene: KLHL38 (kelch like family member 38; minus strand). Cytogenetic location: 8q24.13.
Variant type: single nucleotide variant.
Coding change: c.1180G>C on transcript NM_001081675.3 (MANE Select); coding-DNA position 1180, G replaced by C.
Protein change: p.Gly394Arg; replaces glycine 394 with arginine.
Molecular consequence: missense variant.
Genome position (GRCh38, 1-based): chr8:123,651,747, C>G on the plus strand (G>C on the coding strand, the complement: KLHL38 is on the minus strand). VCF-style: chr8-123651747-C-G. GRCh37 (hg19) VCF-style: chr8-124663987-C-G.
Other names: short protein forms G394R.
Identifiers: ClinVar variation 1245653 (VCV001245653.3), dbSNP rs16898691, ClinGen allele CA4866878.
Genomic context (GRCh38, chr8:123,651,747, plus strand): 5'-TACTCTCCCAGACATTGCAGATGCTGTCATACCTTTCCATGGAGCCCATGAGCTCCTGCC[C>G]TTCTCCAATCCCCCCGATGGAGAAGATGAAGTTCTTATGGGCAGTGCTTCTGTGGGAGTA-3'
Protein context (NP_001075144.2, residues 384-404): FIFSIGGIGE[Gly394Arg]QELMGSMERY